The following is an entry in ClinVar:

ClinVar aggregate classification (germline): Uncertain significance (1 of 4 stars; one submission).

Allele frequency attached by ClinVar (database versions not stated): gnomAD exomes below 0.00001; ExAC 0.00001.
gnomAD v4.1: 1 of 1,612,326 alleles (0.000062%); highest among the groups gnomAD compares: Non-Finnish European, 0.000085%; no homozygotes.

Submission:

Labcorp Genetics (formerly Invitae), Labcorp
Classification: Uncertain significance. Last evaluated: 2022-02-05. Review status: criteria provided, single submitter. Criteria: Invitae Variant Classification Sherloc (09022015). Collection method: clinical testing. Allele origin: germline.
Comment: In summary, the available evidence is currently insufficient to determine the role of this variant in disease. Therefore, it has been classified as a Variant of Uncertain Significance. Advanced modeling of protein sequence and biophysical properties (such as structural, functional, and spatial information, amino acid conservation, physicochemical variation, residue mobility, and thermodynamic stability) performed at Invitae indicates that this missense variant is expected to disrupt CNGB3 protein function. This variant has not been reported in the literature in individuals affected with CNGB3-related conditions. This variant is present in population databases (rs755431853, gnomAD 0.0009%). This sequence change replaces tyrosine, which is neutral and polar, with histidine, which is basic and polar, at codon 562 of the CNGB3 protein (p.Tyr562His).

NM_019098.5(CNGB3):c.1684T>C (p.Tyr562His)

Gene: CNGB3 (cyclic nucleotide gated channel subunit beta 3; minus strand). Cytogenetic location: 8q21.3.
Variant type: single nucleotide variant.
Coding change: c.1684T>C on transcript NM_019098.5 (MANE Select); coding-DNA position 1684, T replaced by C.
Protein change: p.Tyr562His; replaces tyrosine 562 with histidine.
Molecular consequence: missense variant.
Genome position (GRCh38, 1-based): chr8:86,604,190, A>G on the plus strand (T>C on the coding strand, the complement: CNGB3 is on the minus strand). VCF-style: chr8-86604190-A-G. GRCh37 (hg19) VCF-style: chr8-87616418-A-G.
Other names: short protein forms Y562H.
Identifiers: ClinVar variation 1462270 (VCV001462270.8), dbSNP rs755431853, ClinGen allele CA4799926.